The following is an entry in ClinVar:

NM_000359.3(TGM1):c.893T>G (p.Leu298Arg)

Gene: TGM1 (transglutaminase 1; minus strand). Cytogenetic location: 14q12.
Variant type: single nucleotide variant.
Coding change: c.893T>G on transcript NM_000359.3 (MANE Select); coding-DNA position 893, T replaced by G.
Protein change: p.Leu298Arg; replaces leucine 298 with arginine.
Molecular consequence: missense variant.
Genome position (GRCh38, 1-based): chr14:24,259,795, A>C on the plus strand (T>G on the coding strand, the complement: TGM1 is on the minus strand). VCF-style: chr14-24259795-A-C. GRCh37 (hg19) VCF-style: chr14-24729001-A-C.
Other names: short protein forms L298R.
Identifiers: ClinVar variation 2699699 (VCV002699699.3), dbSNP rs2502503368, ClinGen allele CA389268853.

ClinVar aggregate classification (germline): Likely pathogenic (1 of 4 stars; one submission).

Submission:

Labcorp Genetics (formerly Invitae), Labcorp
Classification: Likely pathogenic. Last evaluated: 2023-11-29. Review status: criteria provided, single submitter. Criteria: Invitae Variant Classification Sherloc (09022015). Collection method: clinical testing. Allele origin: germline.
Comment: This sequence change replaces leucine, which is neutral and non-polar, with arginine, which is basic and polar, at codon 298 of the TGM1 protein (p.Leu298Arg). This variant is not present in population databases (gnomAD no frequency). This variant has not been reported in the literature in individuals affected with TGM1-related conditions. Advanced modeling of protein sequence and biophysical properties (such as structural, functional, and spatial information, amino acid conservation, physicochemical variation, residue mobility, and thermodynamic stability) performed at Invitae indicates that this missense variant is expected to disrupt TGM1 protein function with a positive predictive value of 95%. This variant disrupts the p.Leu298 amino acid residue in TGM1. Other variant(s) that disrupt this residue have been determined to be pathogenic (Invitae). This suggests that this residue is clinically significant, and that variants that disrupt this residue are likely to be disease-causing. In summary, the currently available evidence indicates that the variant is pathogenic, but additional data are needed to prove that conclusively. Therefore, this variant has been classified as Likely Pathogenic.